The following is an entry in ClinVar:

NM_000038.6(APC):c.3550G>T (p.Ala1184Ser)

Gene: APC (APC regulator of Wnt signaling pathway; plus strand). Cytogenetic location: 5q22.2.
Variant type: single nucleotide variant.
Coding change: c.3550G>T on transcript NM_000038.6 (MANE Select); coding-DNA position 3550, G replaced by T.
Protein change: p.Ala1184Ser; replaces alanine 1184 with serine.
Molecular consequence: missense variant.
Genome position (GRCh38, 1-based): chr5:112,839,144, G>T. VCF-style: chr5-112839144-G-T. GRCh37 (hg19) VCF-style: chr5-112174841-G-T.
Other names: c.3550G>T, p.Ala1184Ser (NM_001127510.3, NM_001354895.2, NM_001407450.1); c.3496G>T, p.Ala1166Ser (NM_001127511.3); c.3604G>T, p.Ala1202Ser (NM_001354896.2, NM_001407447.1, NM_001407448.1 and 1 more transcripts); c.3580G>T, p.Ala1194Ser (NM_001354897.2); c.3475G>T, p.Ala1159Ser (NM_001354898.2); c.3466G>T, p.Ala1156Ser (NM_001354899.2); c.3427G>T, p.Ala1143Ser (NM_001354900.2); c.3373G>T, p.Ala1125Ser (NM_001354901.2, NM_001407453.1); and 11 more; short protein forms A1055S, A1143S, A1212S, A800S, A901S, A1024S, A1058S, A1156S.
Identifiers: ClinVar variation 1732597 (VCV001732597.2), dbSNP rs2149894144, ClinGen allele CA16029135.

ClinVar aggregate classification (germline): Uncertain significance (1 of 4 stars; one submission).

Conditions:
Hereditary cancer-predisposing syndrome. Also called: Neoplastic Syndromes, Hereditary; Tumor predisposition; Hereditary Cancer Syndrome; Hereditary neoplastic syndrome. Identifiers: Orphanet 140162, MedGen C0027672, MeSH D009386, MONDO:0015356.

Submission:

Ambry Genetics
Classification: Uncertain significance for Hereditary cancer-predisposing syndrome. Last evaluated: 2022-01-19. Review status: criteria provided, single submitter. Criteria: Ambry Variant Classification Scheme 2023. Collection method: clinical testing. Allele origin: germline.
Comment: The p.A1184S variant (also known as c.3550G>T), located in coding exon 15 of the APC gene, results from a G to T substitution at nucleotide position 3550. The alanine at codon 1184 is replaced by serine, an amino acid with similar properties. This amino acid position is conserved. In addition, in silico predictors for this gene do not accurately predict pathogenicity. Since supporting evidence is limited at this time, the clinical significance of this alteration remains unclear.